The following is an entry in ClinVar:

NM_001267550.2(TTN):c.7817C>T (p.Ala2606Val)

Gene: TTN (titin; minus strand). Cytogenetic location: 2q31.2.
Variant type: single nucleotide variant.
Coding change: c.7817C>T on transcript NM_001267550.2 (MANE Select); coding-DNA position 7817, C replaced by T.
Protein change: p.Ala2606Val; replaces alanine 2606 with valine.
Molecular consequence: missense variant.
Genome position (GRCh38, 1-based): chr2:178,773,147, G>A on the plus strand (C>T on the coding strand, the complement: TTN is on the minus strand). VCF-style: chr2-178773147-G-A. GRCh37 (hg19) VCF-style: chr2-179637874-G-A.
Other names: p.Ala2606Val; c.7817C>T, p.Ala2606Val (NM_001256850.1, NM_133378.4, NM_133379.5); c.7679C>T, p.Ala2560Val (NM_003319.4, NM_133432.3, NM_133437.4); short protein forms A2560V, A2606V.
Identifiers: ClinVar variation 809096 (VCV000809096.51), dbSNP rs370857722, ClinGen allele CA2004750.

ClinVar aggregate classification (germline): Conflicting classifications of pathogenicity. Review status: criteria provided, conflicting classifications (1 of 4 stars). 8 submissions from 8 submitters: Uncertain significance (5); Likely benign (2). 1 of the submissions does not count toward it. Last evaluated 2025-11-06.

Conditions:
TTN-related disorder. Also called: TTN-related disorders; TTN-related condition; TTN-related disease.
Dilated cardiomyopathy 1G (CMD1G). Identifiers: Orphanet 154, MedGen C1858763, MONDO:0011400, OMIM 604145.
Myopathy, myofibrillar, 9, with early respiratory failure (MFM9). Also called: MYOPATHY, PROXIMAL, WITH EARLY RESPIRATORY MUSCLE INVOLVEMENT; Myopathy, distal, with early respiratory failure, autosomal dominant; Hereditary myopathy with early respiratory failure; EDSTROM MYOPATHY. Identifiers: Orphanet 178464, Orphanet 34521, MedGen C1863599, MONDO:0011362, OMIM 603689.
Early-onset myopathy with fatal cardiomyopathy (CMYO5). Also called: Salih Myopathy; CONGENITAL MYOPATHY 5 WITH CARDIOMYOPATHY. Identifiers: Orphanet 289377, MedGen C2673677, MONDO:0012714, OMIM 611705. Disease mechanism: loss of function.
Hypertrophic cardiomyopathy 9. Also called: Familial hypertrophic cardiomyopathy 9. Identifiers: MedGen C1861065, MONDO:0013412, OMIM 613765.
Autosomal recessive limb-girdle muscular dystrophy type 2J (LGMDR10). Also called: Limb-girdle muscular dystrophy, type 2J; MUSCULAR DYSTROPHY, LIMB-GIRDLE, AUTOSOMAL RECESSIVE 10. Identifiers: Orphanet 140922, MedGen C1837342, MONDO:0012127, OMIM 608807.
Tibial muscular dystrophy (TMD). Also called: Tibial muscular dystrophy, tardive; Udd Distal Myopathy – Tibial Muscular Dystrophy; UDD MYOPATHY. Identifiers: Orphanet 609, MedGen C1838244, MONDO:0010870, OMIM 600334.
Cardiovascular phenotype. Identifiers: MedGen CN230736.

Allele frequency attached by ClinVar (database versions not stated): gnomAD 0.00005 and 0.00006; ExAC 0.00006; gnomAD exomes 0.00007; TOPMed 0.00007; ESP Exome Variant Server 0.00015.
gnomAD v4.1: 109 of 1,613,754 alleles (0.0068%); highest among the groups gnomAD compares: Middle Eastern, 0.066%; 1 homozygote.

Submissions (8):

Women's Health and Genetics/Laboratory Corporation of America, LabCorp
Classification: Uncertain significance. Last evaluated: 2025-11-06. Review status: criteria provided, single submitter. Criteria: LabCorp Variant Classification Summary - May 2015. Collection method: clinical testing. Allele origin: germline.
Comment: Variant summary: TTN c.7817C>T (p.Ala2606Val) results in a non-conservative amino acid change in the encoded protein sequence. Algorithms developed to predict the effect of missense changes on protein structure and function all suggest that this variant is likely to be disruptive. The variant allele was found at a frequency of 7.2e-05 in 250582 control chromosomes. This frequency is not significantly higher than estimated for disease-causing variants in TTN, allowing no conclusion about variant significance. To our knowledge, no occurrence of c.7817C>T in individuals affected with TTN-related conditions and no experimental evidence demonstrating its impact on protein function have been reported. ClinVar contains an entry for this variant (Variation ID: 809096). Based on the evidence outlined above, the variant was classified as uncertain significance.

CeGaT Center for Human Genetics Tuebingen
Classification: Uncertain significance. Last evaluated: 2025-08-01. Review status: criteria provided, single submitter. Criteria: CeGaT Center For Human Genetics Tuebingen Variant Classification Criteria Version 2. Collection method: clinical testing. Allele origin: germline. Affected: yes. Observed: 3 variant alleles.
Comment: TTN: PM2

Blueprint Genetics
Classification: Likely benign. Last evaluated: 2024-10-24. Review status: criteria provided, single submitter. Criteria: ACMG Guidelines, 2015. Collection method: clinical testing. Allele origin: germline.

Revvity Omics, Revvity
Classification: Uncertain significance. Last evaluated: 2023-09-26. Review status: criteria provided, single submitter. Criteria: ACMG Guidelines, 2015. Collection method: clinical testing. Allele origin: germline.

Fulgent Genetics
Classification: Uncertain significance for Tibial muscular dystrophy; Myopathy, myofibrillar, 9, with early respiratory failure; Dilated cardiomyopathy 1G; Autosomal recessive limb-girdle muscular dystrophy type 2J; Early-onset myopathy with fatal cardiomyopathy; Hypertrophic cardiomyopathy 9. Last evaluated: 2021-12-14. Review status: criteria provided, single submitter. Criteria: ACMG Guidelines, 2015. Collection method: clinical testing. Allele origin: unknown.

Mayo Clinic Laboratories, Mayo Clinic
Classification: Uncertain significance. Last evaluated: 2021-11-23. Review status: criteria provided, single submitter. Criteria: ACMG Guidelines, 2015. Collection method: clinical testing. Allele origin: germline.

Ambry Genetics
Classification: Likely benign for Cardiovascular phenotype. Last evaluated: 2019-05-31. Review status: criteria provided, single submitter. Criteria: Ambry Variant Classification Scheme 2023. Collection method: clinical testing. Allele origin: germline.

PreventionGenetics, part of Exact Sciences
Classification: Uncertain significance for TTN-related condition. Last evaluated: 2024-02-28. Review status: no assertion criteria provided. Collection method: clinical testing. Allele origin: germline. Not counted in ClinVar's aggregate classification.
Comment: The TTN c.7817C>T variant is predicted to result in the amino acid substitution p.Ala2606Val. To our knowledge, this variant has not been reported in the literature. This variant is reported in 0.058% of alleles in individuals of Ashkenazi Jewish descent in gnomAD. At this time, the clinical significance of this variant is uncertain due to the absence of conclusive functional and genetic evidence.